The following is an entry in ClinVar:

NM_003073.5(SMARCB1):c.700G>T (p.Val234Leu)

Gene: SMARCB1 (SWI/SNF related BAF chromatin remodeling complex subunit B1; plus strand). Cytogenetic location: 22q11.23.
Variant type: single nucleotide variant.
Coding change: c.700G>T on transcript NM_003073.5 (MANE Select); coding-DNA position 700, G replaced by T.
Protein change: p.Val234Leu; replaces valine 234 with leucine.
Molecular consequence: missense variant.
Genome position (GRCh38, 1-based): chr22:23,816,841, G>T. VCF-style: chr22-23816841-G-T. GRCh37 (hg19) VCF-style: chr22-24159028-G-T.
Other names: c.673G>T, p.Val225Leu (NM_001007468.3); c.727G>T, p.Val243Leu (NM_001317946.2); c.754G>T, p.Val252Leu (NM_001362877.2); short protein forms V225L, V252L, V234L, V243L.
Identifiers: ClinVar variation 2116736 (VCV002116736.5), dbSNP rs1272912695, ClinGen allele CA410901409.

ClinVar aggregate classification (germline): Uncertain significance. Review status: criteria provided, multiple submitters, no conflicts (2 of 4 stars). 2 submissions from 2 submitters: Uncertain significance (2). Last evaluated 2024-06-29.

Conditions:
Rhabdoid tumor predisposition syndrome 1 (RTPS1). Also called: Familial Posterior Fossa Brain Tumor of Infancy. Identifiers: Orphanet 231108, Orphanet 69077, MedGen C1836327, MONDO:0012252, OMIM 609322.

Allele frequency attached by ClinVar (database versions not stated): TOPMed below 0.00001; gnomAD 0.00001.
gnomAD v4.1: 1 of 1,613,836 alleles (0.000062%); highest among the groups gnomAD compares: African/African-American, 0.0013%; no homozygotes.

Submissions (2):

Labcorp Genetics (formerly Invitae), Labcorp
Classification: Uncertain significance. Last evaluated: 2024-06-29. Review status: criteria provided, single submitter. Criteria: Invitae Variant Classification Sherloc (09022015). Collection method: clinical testing. Allele origin: germline.
Comment: This sequence change replaces valine, which is neutral and non-polar, with leucine, which is neutral and non-polar, at codon 234 of the SMARCB1 protein (p.Val234Leu). This variant is present in population databases (no rsID available, gnomAD 0.01%). This variant has not been reported in the literature in individuals affected with SMARCB1-related conditions. ClinVar contains an entry for this variant (Variation ID: 2116736). Advanced modeling of protein sequence and biophysical properties (such as structural, functional, and spatial information, amino acid conservation, physicochemical variation, residue mobility, and thermodynamic stability) performed at Invitae indicates that this missense variant is not expected to disrupt SMARCB1 protein function with a negative predictive value of 80%. In summary, the available evidence is currently insufficient to determine the role of this variant in disease. Therefore, it has been classified as a Variant of Uncertain Significance.

Baylor Genetics
Classification: Uncertain significance for Rhabdoid tumor predisposition syndrome 1. Last evaluated: 2023-11-02. Review status: criteria provided, single submitter. Criteria: ACMG Guidelines, 2015. Collection method: clinical testing. Allele origin: unknown.